The following is an entry in ClinVar:

NM_025074.7(FRAS1):c.7066C>T (p.Arg2356Cys)

Gene: FRAS1 (Fraser extracellular matrix complex subunit 1; plus strand). Cytogenetic location: 4q21.21.
Variant type: single nucleotide variant.
Coding change: c.7066C>T on transcript NM_025074.7 (MANE Select); coding-DNA position 7066, C replaced by T.
Protein change: p.Arg2356Cys; replaces arginine 2356 with cysteine.
Molecular consequence: missense variant.
Genome position (GRCh38, 1-based): chr4:78,466,244, C>T. VCF-style: chr4-78466244-C-T. GRCh37 (hg19) VCF-style: chr4-79387398-C-T.
Other names: short protein forms R2356C.
Identifiers: ClinVar variation 1505942 (VCV001505942.6), dbSNP rs1229209820, ClinGen allele CA357403523.

ClinVar aggregate classification (germline): Uncertain significance (1 of 4 stars; one submission).

gnomAD v4.1: 7 of 1,613,904 alleles (0.00043%); highest among the groups gnomAD compares: Non-Finnish European, 0.00051%; no homozygotes.

Submission:

Labcorp Genetics (formerly Invitae), Labcorp
Classification: Uncertain significance. Last evaluated: 2020-12-04. Review status: criteria provided, single submitter. Criteria: Invitae Variant Classification Sherloc (09022015). Collection method: clinical testing. Allele origin: germline.
Comment: This sequence change replaces arginine with cysteine at codon 2356 of the FRAS1 protein (p.Arg2356Cys). The arginine residue is highly conserved and there is a large physicochemical difference between arginine and cysteine. In summary, the available evidence is currently insufficient to determine the role of this variant in disease. Therefore, it has been classified as a Variant of Uncertain Significance. Algorithms developed to predict the effect of missense changes on protein structure and function are either unavailable or do not agree on the potential impact of this missense change (SIFT: "Deleterious"; PolyPhen-2: "Possibly Damaging"; Align-GVGD: "Class C15"). This variant has not been reported in the literature in individuals with FRAS1-related conditions. This variant is not present in population databases (ExAC no frequency).